The following is an entry in ClinVar:

NM_002691.4(POLD1):c.1759A>C (p.Ile587Leu)

Gene: POLD1 (DNA polymerase delta 1, catalytic subunit; plus strand). Cytogenetic location: 19q13.33.
Variant type: single nucleotide variant.
Coding change: c.1759A>C on transcript NM_002691.4 (MANE Select); coding-DNA position 1759, A replaced by C.
Protein change: p.Ile587Leu; replaces isoleucine 587 with leucine.
Molecular consequence: missense variant. On other transcripts: non-coding transcript variant (1).
Genome position (GRCh38, 1-based): chr19:50,407,399, A>C. VCF-style: chr19-50407399-A-C. GRCh37 (hg19) VCF-style: chr19-50910656-A-C.
Other names: c.1759A>C, p.Ile587Leu (NM_001256849.1, NM_001308632.1); short protein forms I587L.
Identifiers: ClinVar variation 1517343 (VCV001517343.6), dbSNP rs1060501838, ClinGen allele CA406981349.

ClinVar aggregate classification (germline): Uncertain significance (1 of 4 stars; one submission).

Conditions:
POLD1-related polyposis and colorectal cancer syndrome (CRCS10). Also called: Colorectal cancer 10; COLORECTAL CANCER, SUSCEPTIBILITY TO, ON CHROMOSOME 19q; Colorectal cancer, susceptibility to, 10. Identifiers: Orphanet 220460, MedGen C2675481, MONDO:0012953, OMIM 612591.

Submission:

Labcorp Genetics (formerly Invitae), Labcorp
Classification: Uncertain significance for POLD1-related polyposis and colorectal cancer syndrome. Last evaluated: 2021-09-04. Review status: criteria provided, single submitter. Criteria: Invitae Variant Classification Sherloc (09022015). Collection method: clinical testing. Allele origin: germline.
Comment: In summary, the available evidence is currently insufficient to determine the role of this variant in disease. Therefore, it has been classified as a Variant of Uncertain Significance. Algorithms developed to predict the effect of missense changes on protein structure and function are either unavailable or do not agree on the potential impact of this missense change (SIFT: "Deleterious"; PolyPhen-2: "Benign"; Align-GVGD: "Class C0"). This variant has not been reported in the literature in individuals affected with POLD1-related conditions. This variant is not present in population databases (ExAC no frequency). This sequence change replaces isoleucine with leucine at codon 587 of the POLD1 protein (p.Ile587Leu). The isoleucine residue is highly conserved and there is a small physicochemical difference between isoleucine and leucine.